The following is an entry in ClinVar:

ClinVar aggregate classification (germline): Likely benign (0 of 4 stars; one submission).

Conditions:
CDH13-related disorder. Also called: CDH13-related condition.

Allele frequency attached by ClinVar (database versions not stated): gnomAD exomes 0.00010; ExAC 0.00011; gnomAD 0.00018; TOPMed 0.00034.
gnomAD v4.1: 181 of 1,601,726 alleles (0.011%); highest among the groups gnomAD compares: Middle Eastern, 0.13%; no homozygotes.

Submission:

PreventionGenetics, part of Exact Sciences
Classification: Likely benign for CDH13-related condition. Last evaluated: 2019-05-01. Review status: no assertion criteria provided. Collection method: clinical testing. Allele origin: germline.
Comment: This variant is classified as likely benign based on ACMG/AMP sequence variant interpretation guidelines (Richards et al. 2015 PMID: 25741868, with internal and published modifications).

NM_001257.5(CDH13):c.1260C>T (p.Asn420=)

Gene: CDH13 (cadherin 13; plus strand). Cytogenetic location: 16q23.3.
Variant type: single nucleotide variant.
Coding change: c.1260C>T on transcript NM_001257.5 (MANE Select); coding-DNA position 1260, C replaced by T.
Protein change: p.Asn420=; no amino-acid change (asparagine 420 retained).
Molecular consequence: synonymous variant.
Genome position (GRCh38, 1-based): chr16:83,670,948, C>T. VCF-style: chr16-83670948-C-T. GRCh37 (hg19) VCF-style: chr16-83704553-C-T.
Other names: c.1401C>T, p.Asn467= (NM_001220488.2); c.1143C>T, p.Asn381= (NM_001220489.2); c.498C>T, p.Asn166= (NM_001220490.2).
Identifiers: ClinVar variation 3037553 (VCV003037553.2), dbSNP rs779129520, ClinGen allele CA8196677.